The following is an entry in ClinVar:

ClinVar aggregate classification (germline): Likely pathogenic (1 of 4 stars; one submission).

Conditions:
Hyperammonemia, type III (NAGSD). Also called: Hyperammonemia due to N-acetylglutamate synthase deficiency. Identifiers: Orphanet 927, MedGen C0268543, MONDO:0009377, OMIM 237310.

Submission:

Labcorp Genetics (formerly Invitae), Labcorp
Classification: Likely pathogenic for Hyperammonemia, type III. Last evaluated: 2020-07-16. Review status: criteria provided, single submitter. Criteria: Invitae Variant Classification Sherloc (09022015). Collection method: clinical testing. Allele origin: germline.
Comment: In summary, the currently available evidence indicates that the variant is pathogenic, but additional data are needed to prove that conclusively. Therefore, this variant has been classified as Likely Pathogenic. Loss-of-function variants in NAGS are known to be pathogenic (PMID: 12594532). Algorithms developed to predict the effect of sequence changes on RNA splicing suggest that this variant may disrupt the consensus splice site, but this prediction has not been confirmed by published transcriptional studies. This variant has not been reported in the literature in individuals with NAGS-related conditions. This variant is not present in population databases (ExAC no frequency). This variant results in the deletion of part of exon 5 (c.1097-52_1105del) of the NAGS gene. It is expected to disrupt RNA splicing and likely results in an absent or disrupted protein product.

Literature cited by the submitters: PubMed 12594532.

NM_153006.3(NAGS):c.1097-52_1105del

Gene: NAGS (N-acetylglutamate synthase; plus strand). Cytogenetic location: 17q21.31.
Variant type: Deletion.
Coding change: c.1097-52_1105del on transcript NM_153006.3 (MANE Select); 52 bases into the intron before coding-DNA position 1097 through coding-DNA position 1105, 61 bases deleted.
Molecular consequence: splice acceptor variant.
Genome position (GRCh38, 1-based): chr17:44,007,271-44,007,331, 61 bases deleted. GRCh37 (hg19): chr17:42,084,639-42,084,699.
Identifiers: ClinVar variation 1066088 (VCV001066088.7), dbSNP rs2143989504, ClinGen allele CA2499224654.